The following is an entry in ClinVar:

ClinVar aggregate classification (germline): Uncertain significance. Review status: criteria provided, multiple submitters, no conflicts (2 of 4 stars). 2 submissions from 2 submitters: Uncertain significance (2). Last evaluated 2025-09-30.

Conditions:
Neuroblastoma, susceptibility to, 3. Also called: ALK-Related Neuroblastic Tumor Susceptibility. Identifiers: Orphanet 635, MedGen C2751681, MONDO:0013083, OMIM 613014.
Hereditary cancer-predisposing syndrome. Also called: Hereditary neoplastic syndrome; Neoplastic Syndromes, Hereditary; Hereditary Cancer Syndrome; Tumor predisposition. Identifiers: Orphanet 140162, MedGen C0027672, MeSH D009386, MONDO:0015356.

Allele frequency attached by ClinVar (database versions not stated): ExAC 0.00001; gnomAD 0.00001; 1000 Genomes Project 30x 0.00016; 1000 Genomes Project 0.00020.
gnomAD v4.1: 8 of 1,613,870 alleles (0.0005%); highest among the groups gnomAD compares: African/African-American, 0.0013%; no homozygotes.

Submissions (2):

Labcorp Genetics (formerly Invitae), Labcorp
Classification: Uncertain significance for Neuroblastoma, susceptibility to, 3. Last evaluated: 2025-09-30. Review status: criteria provided, single submitter. Criteria: Invitae Variant Classification Sherloc (09022015). Collection method: clinical testing. Allele origin: germline.
Comment: This sequence change replaces alanine, which is neutral and non-polar, with threonine, which is neutral and polar, at codon 782 of the ALK protein (p.Ala782Thr). This variant is present in population databases (rs549721018, gnomAD 0.007%). This variant has not been reported in the literature in individuals affected with ALK-related conditions. ClinVar contains an entry for this variant (Variation ID: 571234). An algorithm developed to predict the effect of missense changes on protein structure and function (PolyPhen-2) suggests that this variant is likely to be disruptive. In summary, the available evidence is currently insufficient to determine the role of this variant in disease. Therefore, it has been classified as a Variant of Uncertain Significance.

Ambry Genetics
Classification: Uncertain significance for Hereditary cancer-predisposing syndrome. Last evaluated: 2025-09-25. Review status: criteria provided, single submitter. Criteria: Ambry Variant Classification Scheme 2023. Collection method: clinical testing. Allele origin: germline.
Comment: The p.A782T variant (also known as c.2344G>A), located in coding exon 13 of the ALK gene, results from a G to A substitution at nucleotide position 2344. The alanine at codon 782 is replaced by threonine, an amino acid with similar properties. This amino acid position is conserved. In addition, the in silico prediction for this alteration is inconclusive. Since supporting evidence is limited at this time, the clinical significance of this alteration remains unclear.

NM_004304.5(ALK):c.2344G>A (p.Ala782Thr)

Gene: ALK (ALK receptor tyrosine kinase; minus strand). Cytogenetic location: 2p23.2.
Variant type: single nucleotide variant.
Coding change: c.2344G>A on transcript NM_004304.5 (MANE Select); coding-DNA position 2344, G replaced by A.
Protein change: p.Ala782Thr; replaces alanine 782 with threonine.
Molecular consequence: missense variant.
Genome position (GRCh38, 1-based): chr2:29,239,691, C>T on the plus strand (G>A on the coding strand, the complement: ALK is on the minus strand). VCF-style: chr2-29239691-C-T. GRCh37 (hg19) VCF-style: chr2-29462557-C-T.
Other names: short protein forms A782T.
Identifiers: ClinVar variation 571234 (VCV000571234.11), dbSNP rs549721018, ClinGen allele CA1594357.